The following is an entry in ClinVar:

NM_001127222.2(CACNA1A):c.1333A>G (p.Ile445Val)

Gene: CACNA1A (calcium voltage-gated channel subunit alpha1 A; minus strand). Cytogenetic location: 19p13.13.
Variant type: single nucleotide variant.
Coding change: c.1333A>G on transcript NM_001127222.2 (MANE Select); coding-DNA position 1333, A replaced by G.
Protein change: p.Ile445Val; replaces isoleucine 445 with valine.
Molecular consequence: missense variant.
Genome position (GRCh38, 1-based): chr19:13,330,256, T>C on the plus strand (A>G on the coding strand, the complement: CACNA1A is on the minus strand). VCF-style: chr19-13330256-T-C. GRCh37 (hg19) VCF-style: chr19-13441070-T-C.
Other names: c.1336A>G, p.Ile446Val (NM_000068.4, NM_001127221.2, NM_001174080.2 and 1 more transcripts); short protein forms I445V, I446V.
Identifiers: ClinVar variation 837630 (VCV000837630.12), dbSNP rs1188726884, ClinGen allele CA404346053.

ClinVar aggregate classification (germline): Uncertain significance (1 of 4 stars; one submission).

Conditions:
Developmental and epileptic encephalopathy, 42 (DEE42A). Also called: Epileptic encephalopathy, early infantile, 42; DEVELOPMENTAL AND EPILEPTIC ENCEPHALOPATHY 42A; EPILEPTIC ENCEPHALOPATHY, EARLY INFANTILE, 42A. Identifiers: MedGen C4310716, MONDO:0014917, OMIM 617106.
Episodic ataxia type 2 (EA2). Also called: EPISODIC ATAXIA, NYSTAGMUS-ASSOCIATED; ACETAZOLAMIDE-RESPONSIVE HEREDITARY PAROXYSMAL CEREBELLAR ATAXIA; ATAXIA, EPISODIC, WITH NYSTAGMUS; ATAXIA, FAMILIAL PAROXYSMAL; CEREBELLAR ATAXIA, PAROXYSMAL, ACETAZOLAMIDE-RESPONSIVE; CEREBELLOPATHY, HEREDITARY PAROXYSMAL. Identifiers: Orphanet 97, MedGen C1720416, MONDO:0007163, OMIM 108500.

Allele frequency attached by ClinVar (database versions not stated): gnomAD exomes below 0.00001 and 0.00001.
gnomAD v4.1: 4 of 1,556,918 alleles (0.00026%); highest among the groups gnomAD compares: Non-Finnish European, 0.00035%; no homozygotes.

Submission:

Labcorp Genetics (formerly Invitae), Labcorp
Classification: Uncertain significance for Developmental and epileptic encephalopathy, 42; Episodic ataxia type 2. Last evaluated: 2020-06-03. Review status: criteria provided, single submitter. Criteria: Invitae Variant Classification Sherloc (09022015). Collection method: clinical testing. Allele origin: germline.
Comment: In summary, the available evidence is currently insufficient to determine the role of this variant in disease. Therefore, it has been classified as a Variant of Uncertain Significance. Algorithms developed to predict the effect of missense changes on protein structure and function (SIFT, PolyPhen-2, Align-GVGD) all suggest that this variant is likely to be tolerated, but these predictions have not been confirmed by published functional studies and their clinical significance is uncertain. This variant has not been reported in the literature in individuals with CACNA1A-related conditions. This variant is not present in population databases (ExAC no frequency). This sequence change replaces isoleucine with valine at codon 446 of the CACNA1A protein (p.Ile446Val). The isoleucine residue is moderately conserved and there is a small physicochemical difference between isoleucine and valine.